The following is an entry in ClinVar:

NM_004204.5(PIGQ):c.942+5G>A

Gene: PIGQ (phosphatidylinositol glycan anchor biosynthesis class Q; plus strand). Cytogenetic location: 16p13.3.
Variant type: single nucleotide variant.
Coding change: c.942+5G>A on transcript NM_004204.5 (MANE Select); 5 bases into the intron after coding-DNA position 942, G replaced by A.
Molecular consequence: intron variant.
Genome position (GRCh38, 1-based): chr16:576,259, G>A. VCF-style: chr16-576259-G-A. GRCh37 (hg19) VCF-style: chr16-626259-G-A.
Other names: c.942+5G>A (NM_148920.4).
Identifiers: ClinVar variation 1522013 (VCV001522013.5), dbSNP rs2035716269, ClinGen allele CA2201113928.

ClinVar aggregate classification (germline): Uncertain significance (1 of 4 stars; one submission).

Conditions:
Epilepsy. Also called: Seizure disorder. Identifiers: MedGen C0014544, MeSH D004827, MONDO:0005027.

Allele frequency attached by ClinVar (database versions not stated): TOPMed below 0.00001.

Submission:

Labcorp Genetics (formerly Invitae), Labcorp
Classification: Uncertain significance for Epilepsy. Last evaluated: 2022-08-15. Review status: criteria provided, single submitter. Criteria: Invitae Variant Classification Sherloc (09022015). Collection method: clinical testing. Allele origin: germline.
Comment: In summary, the available evidence is currently insufficient to determine the role of this variant in disease. Therefore, it has been classified as a Variant of Uncertain Significance. Variants that disrupt the consensus splice site are a relatively common cause of aberrant splicing (PMID: 17576681, 9536098). Algorithms developed to predict the effect of sequence changes on RNA splicing suggest that this variant may disrupt the consensus splice site. ClinVar contains an entry for this variant (Variation ID: 1522013). This variant has not been reported in the literature in individuals affected with PIGQ-related conditions. This variant is not present in population databases (gnomAD no frequency). This sequence change falls in intron 4 of the PIGQ gene. It does not directly change the encoded amino acid sequence of the PIGQ protein. It affects a nucleotide within the consensus splice site.

Literature cited by the submitters: PubMed 17576681; PubMed 9536098.